The following is an entry in ClinVar:

ClinVar aggregate classification (germline): Pathogenic. Review status: criteria provided, single submitter (1 of 4 stars). 2 submissions from 2 submitters: Pathogenic (1). 1 of the submissions does not count toward it. Last evaluated 2021-01-07.

Conditions:
Intellectual developmental disorder, X-linked, syndromic, Snyder-Robinson type. Also called: X-linked mental retardation Snyder - Robinson type; Syndromic X-linked intellectual disability Snyder type; SNYDER-ROBINSON MENTAL RETARDATION SYNDROME; Spermine synthase deficiency. Identifiers: Orphanet 3063, MedGen C0796160, MONDO:0010664, OMIM 309583.

Submissions (2):

Institute for Genomic Medicine, Nationwide Children's Hospital
Classification: Pathogenic for Intellectual developmental disorder, X-linked, syndromic, Snyder-Robinson type. Last evaluated: 2021-01-07. Review status: criteria provided, single submitter. Criteria: ACMG Guidelines, 2015. Collection method: research. Allele origin: de novo. Inheritance: X-linked recessive inheritance. Affected: yes. Observed: 1 variant allele, 1 hemizygote.
Comment: This variant is absent from the gnomAD database, and is predicted to cause a missense change that is damaging according to 20 of 22 in silico tools. Notably, the authors observed significantly elevated levels of the metabolic product of spermine synthase (N8-acetylspermidine) compared to controls. We interpret the variant as pathogenic.

GeneReviews
No classification provided. Condition: Intellectual developmental disorder, X-linked, syndromic, Snyder-Robinson type. Review status: no classification provided. Collection method: literature only. Allele origin: germline. Not counted in ClinVar's aggregate classification.

Literature cited by the submitters: PubMed 18550699 (cited by GeneReviews); PubMed 22612257 (cited by GeneReviews); PubMed 25888122 (cited by GeneReviews); PubMed 26174906 (cited by GeneReviews); PubMed 31580924 (cited by GeneReviews); PubMed 23805436 (cited by GeneReviews).

NM_004595.5(SMS):c.388C>T (p.Arg130Cys)

Gene: SMS (spermine synthase; plus strand). Cytogenetic location: Xp22.11.
Variant type: single nucleotide variant.
Coding change: c.388C>T on transcript NM_004595.5 (MANE Select); coding-DNA position 388, C replaced by T.
Protein change: p.Arg130Cys; replaces arginine 130 with cysteine.
Molecular consequence: missense variant.
Genome position (GRCh38, 1-based): chrX:21,977,119, C>T. VCF-style: chrX-21977119-C-T. GRCh37 (hg19) VCF-style: chrX-21995237-C-T.
Other names: c.229C>T, p.Arg77Cys (NM_001258423.2); short protein forms R130C, R77C.
Identifiers: ClinVar variation 816629 (VCV000816629.4), dbSNP rs1602210346, ClinGen allele CA412567201.
Genomic context (GRCh38, chrX:21,977,119, plus strand): 5'-AGATTACCACCCATAGTGCGAGGAGGAGCCATCGACAGATACTGGCCCACCGCCGACGGG[C>T]GCCTGGTTGAATATGACATAGATGAAGTGGTATATGACGAAGATTCACCTTATCAAAATA-3'
Protein context (NP_004586.2, residues 120-140): IDRYWPTADG[Arg130Cys]LVEYDIDEVV